The following is an entry in ClinVar:

ClinVar aggregate classification (germline): Uncertain significance. Review status: criteria provided, multiple submitters, no conflicts (2 of 4 stars). 2 submissions from 2 submitters: Uncertain significance (2). Last evaluated 2026-01-26.

Conditions:
Spastic paraplegia. Identifiers: MedGen C0037772, HP:0001258.

Allele frequency attached by ClinVar (database versions not stated): TOPMed 0.00001.

Submissions (2):

Labcorp Genetics (formerly Invitae), Labcorp
Classification: Uncertain significance for Spastic paraplegia. Last evaluated: 2026-01-26. Review status: criteria provided, single submitter. Criteria: Invitae Variant Classification Sherloc (09022015). Collection method: clinical testing. Allele origin: germline.
Comment: This sequence change replaces glutamine, which is neutral and polar, with arginine, which is basic and polar, at codon 88 of the KDM5C protein (p.Gln88Arg). This variant is not present in population databases (gnomAD no frequency). This variant has not been reported in the literature in individuals affected with KDM5C-related conditions. ClinVar contains an entry for this variant (Variation ID: 1334767). Invitae Evidence Modeling of protein sequence and biophysical properties (such as structural, functional, and spatial information, amino acid conservation, physicochemical variation, residue mobility, and thermodynamic stability) has been performed for this missense variant. However, the output from this modeling did not meet the statistical confidence thresholds required to predict the impact of this variant on KDM5C protein function. In summary, the available evidence is currently insufficient to determine the role of this variant in disease. Therefore, it has been classified as a Variant of Uncertain Significance.

Greenwood Genetic Center Diagnostic Laboratories, Greenwood Genetic Center
Classification: Uncertain significance. Last evaluated: 2021-05-26. Review status: criteria provided, single submitter. Criteria: ACMG Guidelines, 2015. Collection method: clinical testing. Allele origin: germline. Affected: yes.
Comment: PP2, PM2

NM_004187.5(KDM5C):c.263A>G (p.Gln88Arg)

Gene: KDM5C (lysine demethylase 5C; minus strand). Cytogenetic location: Xp11.22.
Variant type: single nucleotide variant.
Coding change: c.263A>G on transcript NM_004187.5 (MANE Select); coding-DNA position 263, A replaced by G.
Protein change: p.Gln88Arg; replaces glutamine 88 with arginine.
Molecular consequence: missense variant. On other transcripts: non-coding transcript variant (2), intron variant (1).
Genome position (GRCh38, 1-based): chrX:53,218,364, T>C on the plus strand (A>G on the coding strand, the complement: KDM5C is on the minus strand). VCF-style: chrX-53218364-T-C. GRCh37 (hg19) VCF-style: chrX-53247546-T-C.
Other names: c.263A>G, p.Gln88Arg (NM_001282622.3, NM_001353978.3, NM_001353979.2 and 3 more transcripts); c.151-398A>G (NM_001146702.2); short protein forms Q88R.
Identifiers: ClinVar variation 1334767 (VCV001334767.5), dbSNP rs1460418132, ClinGen allele CA413131733.